The following is an entry in ClinVar:

ClinVar aggregate classification (germline): Likely pathogenic (1 of 4 stars; one submission).

Conditions:
Medium-chain acyl-coenzyme A dehydrogenase deficiency (ACADMD). Also called: MCADH DEFICIENCY; CARNITINE DEFICIENCY SECONDARY TO MEDIUM-CHAIN ACYL-CoA DEHYDROGENASE DEFICIENCY; Medium chain acyl-CoA dehydrogenase deficiency; MCADD; MCAD Deficiency; ACADM DEFICIENCY. Identifiers: Orphanet 42, MedGen C0220710, MONDO:0008721, OMIM 201450.

Submission:

Labcorp Genetics (formerly Invitae), Labcorp
Classification: Likely pathogenic for Medium-chain acyl-coenzyme A dehydrogenase deficiency. Last evaluated: 2021-01-31. Review status: criteria provided, single submitter. Criteria: Invitae Variant Classification Sherloc (09022015). Collection method: clinical testing. Allele origin: germline.
Comment: In summary, the currently available evidence indicates that the variant is pathogenic, but additional data are needed to prove that conclusively. Therefore, this variant has been classified as Likely Pathogenic. This variant disrupts the p.Gly310 amino acid residue in ACADM. Other variant(s) that disrupt this residue have been determined to be pathogenic (PMID: 23509891, 18241067, 20434380). This suggests that this residue is clinically significant, and that variants that disrupt this residue are likely to be disease-causing. This variant has not been reported in the literature in individuals with ACADM-related conditions. This variant is a gross deletion of the genomic region encompassing exon(s) 10 of the ACADM gene. This variant would be expected to be in-frame, preserving the integrity of the reading frame.

Literature cited by the submitters: PubMed 23509891; PubMed 18241067; PubMed 20434380.

NC_000001.10:g.(?_76216126)_(76216241_?)del

Gene: ACADM (acyl-CoA dehydrogenase medium chain; plus strand). Cytogenetic location: 1p31.1.
Variant type: Deletion.
Identifiers: ClinVar variation 1487818 (VCV001487818.6).